The following is an entry in ClinVar:

NM_001035.3(RYR2):c.1352C>G (p.Ser451Cys)

Gene: RYR2 (ryanodine receptor 2; plus strand). Cytogenetic location: 1q43.
Variant type: single nucleotide variant.
Coding change: c.1352C>G on transcript NM_001035.3 (MANE Select); coding-DNA position 1352, C replaced by G.
Protein change: p.Ser451Cys; replaces serine 451 with cysteine.
Molecular consequence: missense variant.
Genome position (GRCh38, 1-based): chr1:237,454,450, C>G. VCF-style: chr1-237454450-C-G. GRCh37 (hg19) VCF-style: chr1-237617750-C-G.
Other names: short protein forms S451C.
Identifiers: ClinVar variation 4757560 (VCV004757560.1).

ClinVar aggregate classification (germline): Uncertain significance (1 of 4 stars; one submission).

Conditions:
Cardiomyopathy (CMYO). Also called: Cardiomyopathies. Identifiers: Orphanet 167848, MedGen C0878544, MONDO:0004994, HP:0001638. Inheritance: Various modes of inheritance.

Submission:

Color Diagnostics, LLC DBA Color Health
Classification: Uncertain significance for Cardiomyopathy. Last evaluated: 2025-07-08. Review status: criteria provided, single submitter. Criteria: ACMG Guidelines, 2015. Collection method: clinical testing. Allele origin: germline.
Comment: This missense variant replaces serine with cysteine at codon 451 of the RYR2 protein. Computational prediction is inconclusive regarding the impact of this variant on protein structure and function. To our knowledge, functional studies have not been reported for this variant. This variant has not been reported in individuals affected with RYR2-related disorders in the literature. This variant has not been identified in the general population by the Genome Aggregation Database (gnomAD). The available evidence is insufficient to determine the role of this variant in disease conclusively. Therefore, this variant is classified as a Variant of Uncertain Significance.